The following is an entry in ClinVar:

ClinVar aggregate classification (germline): Uncertain significance (1 of 4 stars; one submission).

Submission:

CeGaT Center for Human Genetics Tuebingen
Classification: Uncertain significance. Last evaluated: 2025-11-01. Review status: criteria provided, single submitter. Criteria: CeGaT Center For Human Genetics Tuebingen Variant Classification Criteria Version 2. Collection method: clinical testing. Allele origin: germline. Affected: yes. Observed: 1 variant allele.
Comment: NSD2: PM2, PP2, PP3

NM_001042424.3(NSD2):c.3362C>T (p.Thr1121Ile)

Gene: NSD2 (nuclear receptor binding SET domain protein 2; plus strand). Cytogenetic location: 4p16.3.
Variant type: single nucleotide variant.
Coding change: c.3362C>T on transcript NM_001042424.3 (MANE Select); coding-DNA position 3362, C replaced by T.
Protein change: p.Thr1121Ile; replaces threonine 1121 with isoleucine.
Molecular consequence: missense variant. On other transcripts: intron variant (2).
Genome position (GRCh38, 1-based): chr4:1,961,141, C>T. VCF-style: chr4-1961141-C-T. GRCh37 (hg19) VCF-style: chr4-1962868-C-T.
Other names: c.3362C>T, p.Thr1121Ile (NM_001440892.1, NM_133330.3, NM_133331.3 and 1 more transcripts); c.3461C>T, p.Thr1154Ile (NM_001440893.1); c.3215C>T, p.Thr1072Ile (NM_001440895.1); c.3161C>T, p.Thr1054Ile (NM_001440896.1); c.3155C>T, p.Thr1052Ile (NM_001440897.1); c.2393C>T, p.Thr798Ile (NM_001440899.1, NM_001440900.1); c.3255+1401C>T (NM_001440894.1); c.3048+1401C>T (NM_001440898.1); short protein forms T1052I, T1054I, T1072I, T1121I, T1154I, T798I.
Identifiers: ClinVar variation 4535374 (VCV004535374.6).